The following is an entry in ClinVar:

ClinVar aggregate classification (germline): Uncertain significance. Review status: criteria provided, multiple submitters, no conflicts (2 of 4 stars). 2 submissions from 2 submitters: Uncertain significance (2). Last evaluated 2024-07-12.

Conditions:
Hereditary spastic paraplegia 30. Identifiers: Orphanet 101010, MedGen C5235139, MONDO:0012476.
Neuropathy, hereditary sensory, type 2C. Also called: Hereditary sensory and autonomic neuropathy type IIC; KIF1A-Related HSAN2 (HSAN2C). Identifiers: Orphanet 970, MedGen C3280168, MONDO:0013634, OMIM 614213.
Intellectual disability, autosomal dominant 9 (NESCAVS). Also called: NESCAV SYNDROME; KIF1A-Related Neurodevelopmental Disorder. Identifiers: Orphanet 662367, MedGen C5393830, MONDO:0013656, OMIM 614255.

Submissions (2):

GeneDx
Classification: Uncertain significance. Last evaluated: 2024-07-12. Review status: criteria provided, single submitter. Criteria: GeneDx Variant Classification Process June 2021. Collection method: clinical testing. Allele origin: germline. Affected: yes.
Comment: Not observed at significant frequency in large population cohorts (gnomAD); In silico analysis supports that this missense variant has a deleterious effect on protein structure/function; Has not been previously published as pathogenic or benign to our knowledge; This variant is associated with the following publications: (PMID: 21376300, 21820098, 26125038)

Labcorp Genetics (formerly Invitae), Labcorp
Classification: Uncertain significance for Hereditary spastic paraplegia 30; Neuropathy, hereditary sensory, type 2C; Intellectual disability, autosomal dominant 9. Last evaluated: 2021-12-03. Review status: criteria provided, single submitter. Criteria: Invitae Variant Classification Sherloc (09022015). Collection method: clinical testing. Allele origin: germline.
Comment: In summary, the available evidence is currently insufficient to determine the role of this variant in disease. Therefore, it has been classified as a Variant of Uncertain Significance. Advanced modeling of protein sequence and biophysical properties (such as structural, functional, and spatial information, amino acid conservation, physicochemical variation, residue mobility, and thermodynamic stability) performed at Invitae indicates that this missense variant is expected to disrupt KIF1A protein function. This variant has not been reported in the literature in individuals affected with KIF1A-related conditions. This variant is not present in population databases (gnomAD no frequency). This sequence change replaces proline, which is neutral and non-polar, with leucine, which is neutral and non-polar, at codon 559 of the KIF1A protein (p.Pro559Leu).

NM_001244008.2(KIF1A):c.1703C>T (p.Pro568Leu)

Gene: KIF1A (kinesin family member 1A; minus strand). Cytogenetic location: 2q37.3.
Variant type: single nucleotide variant.
Coding change: c.1703C>T on transcript NM_001244008.2 (MANE Select); coding-DNA position 1703, C replaced by T.
Protein change: p.Pro568Leu; replaces proline 568 with leucine.
Molecular consequence: missense variant.
Genome position (GRCh38, 1-based): chr2:240,765,775, G>A on the plus strand (C>T on the coding strand, the complement: KIF1A is on the minus strand). VCF-style: chr2-240765775-G-A. GRCh37 (hg19) VCF-style: chr2-241705192-G-A.
Other names: c.1676C>T (NM_004321.6); c.1703C>T, p.Pro568Leu (NM_001320705.2, NM_001330289.2, NM_001379638.1); c.1778C>T, p.Pro593Leu (NM_001330290.2, NM_001379631.1, NM_001379634.1 and 2 more transcripts); c.1676C>T, p.Pro559Leu (NM_001379632.1, NM_001379633.1, NM_001379636.1 and 11 more transcripts); c.1751C>T, p.Pro584Leu (NM_001379637.1, NM_001379648.1); short protein forms P568L, P593L, P559L, P584L.
Identifiers: ClinVar variation 2031445 (VCV002031445.5), dbSNP rs2537729196, ClinGen allele CA351327794.